The following is an entry in ClinVar:

NM_172362.3(KCNH1):c.2859_2861delinsTAC (p.Glu953_Ile954delinsAspThr)

Gene: KCNH1 (potassium voltage-gated channel subfamily H member 1; minus strand). Cytogenetic location: 1q32.2.
Variant type: Indel.
Coding change: c.2859_2861delinsTAC on transcript NM_172362.3 (MANE Select); coding-DNA positions 2859 to 2861, GAT replaced by TAC.
Protein change: p.Glu953_Ile954delinsAspThr.
Molecular consequence: missense variant.
Genome position (GRCh38, 1-based): chr1:210,683,390-210,683,392, ATC replaced by GTA on the plus strand (GAT replaced by TAC on the coding strand, the reverse complement: KCNH1 is on the minus strand). VCF-style: chr1-210683390-ATC-GTA. GRCh37 (hg19) VCF-style: chr1-210856732-ATC-GTA.
Other names: c.2778_2780delinsTAC, p.Glu926_Ile927delinsAspThr (NM_002238.4).
Identifiers: ClinVar variation 1034356 (VCV001034356.1), dbSNP rs1681322266, ClinGen allele CA2484739635.

ClinVar aggregate classification (germline): Uncertain significance (1 of 4 stars; one submission).

Conditions:
Zimmermann-Laband syndrome 1 (ZLS1). Identifiers: Orphanet 3473, MedGen C4551773, MONDO:0024526, OMIM 135500.

Submission:

Baylor Genetics
Classification: Uncertain significance for Zimmermann-Laband syndrome 1. Last evaluated: 2018-12-19. Review status: criteria provided, single submitter. Criteria: ACMG Guidelines, 2015. Collection method: clinical testing. Allele origin: unknown. Affected: yes.
Comment: This variant was determined to be of uncertain significance according to ACMG Guidelines, 2015 [PMID:25741868].